The following is an entry in ClinVar:

NM_032043.3(BRIP1):c.1018del (p.Val341fs)

Gene: BRIP1 (BRCA1 interacting DNA helicase 1; minus strand). Cytogenetic location: 17q23.2.
Variant type: Deletion.
Coding change: c.1018del on transcript NM_032043.3 (MANE Select); coding-DNA position 1018, one base deleted (C; older notation c.1018delC).
Protein change: p.Val341fs; shifts the reading frame from valine 341.
Molecular consequence: frameshift variant.
Genome position (GRCh38, 1-based): chr17:61,801,375, G deleted on the plus strand (C on the coding strand, the reverse complement: BRIP1 is on the minus strand). VCF-style (leftmost placement, unchanged base first): chr17-61801374-AG-A. GRCh37 (hg19) VCF-style: chr17-59878735-AG-A.
Other names: short protein forms V341fs.
Identifiers: ClinVar variation 3379265 (VCV003379265.1).

ClinVar aggregate classification (germline): Pathogenic (1 of 4 stars; one submission).

Conditions:
Familial cancer of breast. Also called: hereditary breast carcinoma; Hereditary breast cancer; BREAST CANCER, FAMILIAL. Identifiers: Orphanet 227535, MedGen C0346153, MONDO:0016419, OMIM 114480. Disease mechanism: loss of function.

Submission:

Myriad Genetics, Inc.
Classification: Pathogenic for Familial cancer of breast. Last evaluated: 2024-08-20. Review status: criteria provided, single submitter. Criteria: Myriad Autosomal Dominant, Autosomal Recessive and X-Linked Classification Criteria (2023). Collection method: clinical testing. Allele origin: unknown.
Comment: This variant is considered pathogenic. This variant creates a frameshift predicted to result in premature protein truncation.